The following is an entry in ClinVar:

NM_001372044.2(SHANK3):c.871_881del (p.Gly291fs)

Gene: SHANK3 (SH3 and multiple ankyrin repeat domains 3; plus strand). Cytogenetic location: 22q13.33.
Variant type: Deletion.
Coding change: c.871_881del on transcript NM_001372044.2 (MANE Select); coding-DNA positions 871 to 881, 11 bases deleted (GGCTTGACACC).
Protein change: p.Gly291fs; shifts the reading frame from glycine 291.
Molecular consequence: frameshift variant.
Genome position (GRCh38, 1-based): chr22:50,679,064-50,679,074, GGCTTGACACC deleted; deleting any 11 consecutive bases within chr22:50,679,063-50,679,074 gives the same sequence; the c. name uses the placement nearest the transcript's 3' end. VCF-style (leftmost placement, unchanged base first): chr22-50679062-GCGGCTTGACAC-G. GRCh37 (hg19) VCF-style: chr22-51117490-GCGGCTTGACAC-G.
Other names: c.646_656del11 (NM_033517.1); short protein forms G291fs.
Identifiers: ClinVar variation 3441239 (VCV003441239.1).

ClinVar aggregate classification (germline): Pathogenic (1 of 4 stars; one submission).

Conditions:
Inborn genetic diseases. Identifiers: MedGen C0950123, MeSH D030342.

Submission:

Ambry Genetics
Classification: Pathogenic for Inborn genetic diseases. Last evaluated: 2024-07-01. Review status: criteria provided, single submitter. Criteria: Ambry Variant Classification Scheme 2023. Collection method: clinical testing. Allele origin: germline.
Comment: The c.646_656del11 (p.G216Pfs*15) alteration, located in exon 6 (coding exon 6) of the SHANK3 gene, consists of a deletion of 11 nucleotides from position 646 to 656, causing a translational frameshift with a predicted alternate stop codon after 15 amino acids. This alteration is expected to result in loss of function by premature protein truncation or nonsense-mediated mRNA decay. This variant was not reported in population-based cohorts in the Genome Aggregation Database (gnomAD). Based on the available evidence, this alteration is classified as pathogenic.